The following is an entry in ClinVar:

ClinVar aggregate classification (germline): Benign/Likely benign. Review status: criteria provided, multiple submitters, no conflicts (2 of 4 stars). 5 submissions from 5 submitters: Benign (1); Likely benign (4). Last evaluated 2026-05-01.

Conditions:
Cardiovascular phenotype. Identifiers: MedGen CN230736.
Osteogenesis imperfecta type I (OI1). Also called: Classic Non-deforming Osteogenesis Imperfecta with Blue Sclerae; OI, TYPE I; OSTEOGENESIS IMPERFECTA TARDA; OSTEOGENESIS IMPERFECTA WITH BLUE SCLERAE; Lobstein's Disease; Osteogenesis imperfecta type 1. Identifiers: Orphanet 216796, Orphanet 666, MedGen C0023931, MONDO:0008146, OMIM 166200. Disease mechanism: loss of function.

Allele frequency attached by ClinVar (database versions not stated): gnomAD exomes 0.00006 and 0.00007; TOPMed 0.00006; ExAC 0.00007; gnomAD 0.00007; ESP Exome Variant Server 0.00015; 1000 Genomes Project 0.00020; 1000 Genomes Project 30x 0.00031.
gnomAD v4.1: 113 of 1,613,950 alleles (0.007%); highest among the groups gnomAD compares: East Asian, 0.013%; no homozygotes.

Submissions (5):

Women's Health and Genetics/Laboratory Corporation of America, LabCorp
Classification: Benign. Last evaluated: 2026-05-01. Review status: criteria provided, single submitter. Criteria: LabCorp Variant Classification Summary - May 2015. Collection method: clinical testing. Allele origin: germline.

Labcorp Genetics (formerly Invitae), Labcorp
Classification: Likely benign for Osteogenesis imperfecta type I. Last evaluated: 2026-01-26. Review status: criteria provided, single submitter. Criteria: Invitae Variant Classification Sherloc (09022015). Collection method: clinical testing. Allele origin: germline.

Mayo Clinic Laboratories, Mayo Clinic
Classification: Likely benign. Last evaluated: 2025-09-15. Review status: criteria provided, single submitter. Criteria: ACMG Guidelines, 2015. Collection method: clinical testing. Allele origin: germline. Observed: 1 variant allele.
Comment: BP4, BP7

Blueprint Genetics
Classification: Likely benign. Last evaluated: 2023-09-27. Review status: criteria provided, single submitter. Criteria: ACMG Guidelines, 2015. Collection method: clinical testing. Allele origin: germline.

Ambry Genetics
Classification: Likely benign for Cardiovascular phenotype. Last evaluated: 2019-11-28. Review status: criteria provided, single submitter. Criteria: Ambry Variant Classification Scheme 2023. Collection method: clinical testing. Allele origin: germline.

NM_000088.4(COL1A1):c.993C>T (p.Ala331=)

Gene: COL1A1 (collagen type I alpha 1 chain; minus strand). Cytogenetic location: 17q21.33.
Variant type: single nucleotide variant.
Coding change: c.993C>T on transcript NM_000088.4 (MANE Select); coding-DNA position 993, C replaced by T.
Protein change: p.Ala331=; no amino-acid change (alanine 331 retained).
Molecular consequence: synonymous variant.
Genome position (GRCh38, 1-based): chr17:50,196,164, G>A on the plus strand (C>T on the coding strand, the complement: COL1A1 is on the minus strand). VCF-style: chr17-50196164-G-A. GRCh37 (hg19) VCF-style: chr17-48273525-G-A.
Other names: p.Ala331=.
Identifiers: ClinVar variation 1106601 (VCV001106601.14), dbSNP rs147277057, ClinGen allele CA8645454.
Genomic context (GRCh38, chr17:50,196,164, plus strand): 5'-ACTGAGACCCCTCCCCACTCCCAGGCCCTGAGGCCTACAGGCCACACTCACAGGGGGCCC[G>A]GCAGCACCAGTAGCACCATCATTTCCACGAGCACCCTGCAGGAGAGAGGGGAAGCCCCGT-3'
Protein context (NP_000079.2, residues 321-341): ARGNDGATGA[Ala331=]GPPGPTGPAG